The following is an entry in ClinVar:

ClinVar aggregate classification (germline): Uncertain significance (1 of 4 stars; one submission).

Conditions:
Hereditary cancer-predisposing syndrome. Also called: Neoplastic Syndromes, Hereditary; Tumor predisposition; Hereditary Cancer Syndrome; Hereditary neoplastic syndrome. Identifiers: Orphanet 140162, MedGen C0027672, MeSH D009386, MONDO:0015356.

Submission:

Ambry Genetics
Classification: Uncertain significance for Hereditary cancer-predisposing syndrome. Last evaluated: 2022-02-12. Review status: criteria provided, single submitter. Criteria: Ambry Variant Classification Scheme 2023. Collection method: clinical testing. Allele origin: germline.
Comment: The p.T2782P variant (also known as c.8344A>C), located in coding exon 15 of the APC gene, results from an A to C substitution at nucleotide position 8344. The threonine at codon 2782 is replaced by proline, an amino acid with highly similar properties. This amino acid position is conserved. In addition, in silico predictors for this gene do not accurately predict pathogenicity. Since supporting evidence is limited at this time, the clinical significance of this alteration remains unclear.

NM_000038.6(APC):c.8344A>C (p.Thr2782Pro)

Gene: APC (APC regulator of Wnt signaling pathway; plus strand). Cytogenetic location: 5q22.2.
Variant type: single nucleotide variant.
Coding change: c.8344A>C on transcript NM_000038.6 (MANE Select); coding-DNA position 8344, A replaced by C.
Protein change: p.Thr2782Pro; replaces threonine 2782 with proline.
Molecular consequence: missense variant.
Genome position (GRCh38, 1-based): chr5:112,843,938, A>C. VCF-style: chr5-112843938-A-C. GRCh37 (hg19) VCF-style: chr5-112179635-A-C.
Other names: c.8344A>C, p.Thr2782Pro (NM_001127510.3, NM_001354895.2, NM_001407450.1); c.8290A>C, p.Thr2764Pro (NM_001127511.3); c.8398A>C, p.Thr2800Pro (NM_001354896.2, NM_001407447.1, NM_001407448.1 and 1 more transcripts); c.8374A>C, p.Thr2792Pro (NM_001354897.2); c.8269A>C, p.Thr2757Pro (NM_001354898.2); c.8260A>C, p.Thr2754Pro (NM_001354899.2); c.8221A>C, p.Thr2741Pro (NM_001354900.2); c.8167A>C, p.Thr2723Pro (NM_001354901.2, NM_001407453.1); and 11 more; short protein forms T2499P, T2653P, T2775P, T2792P, T2810P, T2681P, T2754P, T2764P.
Identifiers: ClinVar variation 1763007 (VCV001763007.2), dbSNP rs2150003677, ClinGen allele CA16039434.